The following is an entry in ClinVar:

ClinVar aggregate classification (germline): Uncertain significance (1 of 4 stars; one submission).

Conditions:
Hereditary cancer-predisposing syndrome. Also called: Neoplastic Syndromes, Hereditary; Tumor predisposition; Hereditary neoplastic syndrome; Hereditary Cancer Syndrome. Identifiers: Orphanet 140162, MedGen C0027672, MeSH D009386, MONDO:0015356.

Submission:

Ambry Genetics
Classification: Uncertain significance for Hereditary cancer-predisposing syndrome. Last evaluated: 2022-11-20. Review status: criteria provided, single submitter. Criteria: Ambry Variant Classification Scheme 2023. Collection method: clinical testing. Allele origin: germline.
Comment: The p.L403V variant (also known as c.1207C>G), located in coding exon 4 of the MSH6 gene, results from a C to G substitution at nucleotide position 1207. The leucine at codon 403 is replaced by valine, an amino acid with highly similar properties. This amino acid position is conserved. In addition, the in silico prediction for this alteration is inconclusive. Since supporting evidence is limited at this time, the clinical significance of this alteration remains unclear.

NM_000179.3(MSH6):c.1207C>G (p.Leu403Val)

Gene: MSH6 (mutS homolog 6; plus strand). Cytogenetic location: 2p16.3.
Variant type: single nucleotide variant.
Coding change: c.1207C>G on transcript NM_000179.3 (MANE Select); coding-DNA position 1207, C replaced by G.
Protein change: p.Leu403Val; replaces leucine 403 with valine.
Molecular consequence: missense variant. On other transcripts: non-coding transcript variant (4), intron variant (1).
Genome position (GRCh38, 1-based): chr2:47,799,190, C>G. VCF-style: chr2-47799190-C-G. GRCh37 (hg19) VCF-style: chr2-48026329-C-G.
Other names: c.817C>G, p.Leu273Val (NM_001281492.2); c.301C>G, p.Leu101Val (NM_001281493.2, NM_001281494.2, NM_001406811.1 and 6 more transcripts); c.1303C>G, p.Leu435Val (NM_001406795.1, NM_001406802.1); c.1207C>G, p.Leu403Val (NM_001406796.1, NM_001406798.1, NM_001406800.1 and 4 more transcripts); c.910C>G, p.Leu304Val (NM_001406797.1, NM_001406801.1, NM_001406805.1 and 10 more transcripts); c.682C>G, p.Leu228Val (NM_001406799.1, NM_001406806.1, NM_001406807.1); c.1129C>G, p.Leu377Val (NM_001406804.1); c.1213C>G, p.Leu405Val (NM_001406813.1); and 2 more; short protein forms L228V, L273V, L304V, L435V, L101V, L347V, L377V, L403V.
Identifiers: ClinVar variation 2453162 (VCV002453162.2), dbSNP rs876659223, ClinGen allele CA346743467.